The following is an entry in ClinVar:

NM_018979.4(WNK1):c.2134A>G (p.Ser712Gly)

Gene: WNK1 (WNK lysine deficient protein kinase 1; plus strand). Cytogenetic location: 12p13.33.
Variant type: single nucleotide variant.
Coding change: c.2134A>G on transcript NM_018979.4 (MANE Select); coding-DNA position 2134, A replaced by G.
Protein change: p.Ser712Gly; replaces serine 712 with glycine.
Molecular consequence: missense variant.
Genome position (GRCh38, 1-based): chr12:862,265, A>G. VCF-style: chr12-862265-A-G. GRCh37 (hg19) VCF-style: chr12-971431-A-G.
Other names: c.2134A>G, p.Ser712Gly (NM_001184985.2, NM_014823.3, NM_213655.5); short protein forms S712G.
Identifiers: ClinVar variation 567710 (VCV000567710.10), dbSNP rs1393034802, ClinGen allele CA383336787.

ClinVar aggregate classification (germline): Uncertain significance (1 of 4 stars; one submission).

Conditions:
Neuropathy, hereditary sensory and autonomic, type 2A (HSAN2A). Also called: HSAN IIA; ACROOSTEOLYSIS, GIACCAI TYPE; ACROOSTEOLYSIS, NEUROGENIC; WNK1-Related HSAN2 (HSAN2A); MORVAN DISEASE; NEUROPATHY, CONGENITAL SENSORY. Identifiers: Orphanet 970, MedGen C2752089, MONDO:0024309, OMIM 201300.
Pseudohypoaldosteronism type 2C (PHA2C). Also called: Pseudohypoaldosteronism Type IIC. Identifiers: Orphanet 757, Orphanet 88940, MedGen C1840391, MONDO:0013778, OMIM 614492.

Submission:

Labcorp Genetics (formerly Invitae), Labcorp
Classification: Uncertain significance for Neuropathy, hereditary sensory and autonomic, type 2A; Pseudohypoaldosteronism type 2C. Last evaluated: 2019-03-14. Review status: criteria provided, single submitter. Criteria: Invitae Variant Classification Sherloc (09022015). Collection method: clinical testing. Allele origin: germline.
Comment: In summary, the available evidence is currently insufficient to determine the role of this variant in disease. Therefore, it has been classified as a Variant of Uncertain Significance. Algorithms developed to predict the effect of sequence changes on RNA splicing suggest that this variant may create or strengthen a splice site, but this prediction has not been confirmed by published transcriptional studies. This variant has not been reported in the literature in individuals with WNK1-related disease. This variant is not present in population databases (ExAC no frequency). This sequence change replaces serine with glycine at codon 712 of the WNK1 protein (p.Ser712Gly). The serine residue is highly conserved and there is a small physicochemical difference between serine and glycine.